The following is an entry in ClinVar:

NM_000179.3(MSH6):c.1212T>A (p.Asn404Lys)

Gene: MSH6 (mutS homolog 6; plus strand). Cytogenetic location: 2p16.3.
Variant type: single nucleotide variant.
Coding change: c.1212T>A on transcript NM_000179.3 (MANE Select); coding-DNA position 1212, T replaced by A.
Protein change: p.Asn404Lys; replaces asparagine 404 with lysine.
Molecular consequence: missense variant. On other transcripts: non-coding transcript variant (4), intron variant (1).
Genome position (GRCh38, 1-based): chr2:47,799,195, T>A. VCF-style: chr2-47799195-T-A. GRCh37 (hg19) VCF-style: chr2-48026334-T-A.
Other names: c.822T>A, p.Asn274Lys (NM_001281492.2); c.306T>A, p.Asn102Lys (NM_001281493.2, NM_001281494.2, NM_001406823.1 and 6 more transcripts); c.1308T>A, p.Asn436Lys (NM_001406795.1, NM_001406802.1); c.1212T>A, p.Asn404Lys (NM_001406796.1, NM_001406798.1, NM_001406800.1 and 4 more transcripts); c.915T>A, p.Asn305Lys (NM_001406797.1, NM_001406801.1, NM_001406805.1 and 10 more transcripts); c.687T>A, p.Asn229Lys (NM_001406799.1, NM_001406806.1, NM_001406807.1); c.1134T>A, p.Asn378Lys (NM_001406804.1); c.1044T>A, p.Asn348Lys (NM_001406826.1); and 2 more; short protein forms N274K, N305K, N406K, N348K, N404K, N378K, N102K, N229K.
Identifiers: ClinVar variation 3633923 (VCV003633923.2).

ClinVar aggregate classification (germline): Uncertain significance (1 of 4 stars; one submission).

Conditions:
Hereditary nonpolyposis colorectal neoplasms. Identifiers: MedGen C0009405, MeSH D003123.

Submission:

Labcorp Genetics (formerly Invitae), Labcorp
Classification: Uncertain significance for Hereditary nonpolyposis colorectal neoplasms. Last evaluated: 2024-08-22. Review status: criteria provided, single submitter. Criteria: Invitae Variant Classification Sherloc (09022015). Collection method: clinical testing. Allele origin: germline.
Comment: This sequence change replaces asparagine, which is neutral and polar, with lysine, which is basic and polar, at codon 404 of the MSH6 protein (p.Asn404Lys). This variant is not present in population databases (gnomAD no frequency). This variant has not been reported in the literature in individuals affected with MSH6-related conditions. Invitae Evidence Modeling of protein sequence and biophysical properties (such as structural, functional, and spatial information, amino acid conservation, physicochemical variation, residue mobility, and thermodynamic stability) indicates that this missense variant is not expected to disrupt MSH6 protein function with a negative predictive value of 95%. In summary, the available evidence is currently insufficient to determine the role of this variant in disease. Therefore, it has been classified as a Variant of Uncertain Significance.